The following is an entry in ClinVar:

ClinVar aggregate classification (germline): Uncertain significance (1 of 4 stars; one submission).

Conditions:
Hypertrophic cardiomyopathy. Also called: HYPERTROPHIC MYOCARDIOPATHY. Identifiers: Orphanet 217569, MedGen C0007194, MeSH D002312, MONDO:0005045, HP:0001639.

Submission:

Labcorp Genetics (formerly Invitae), Labcorp
Classification: Uncertain significance for Hypertrophic cardiomyopathy. Last evaluated: 2024-02-24. Review status: criteria provided, single submitter. Criteria: Invitae Variant Classification Sherloc (09022015). Collection method: clinical testing. Allele origin: germline.
Comment: This sequence change replaces lysine, which is basic and polar, with glutamic acid, which is acidic and polar, at codon 429 of the MYH7 protein (p.Lys429Glu). This variant is not present in population databases (gnomAD no frequency). This variant has not been reported in the literature in individuals affected with MYH7-related conditions. ClinVar contains an entry for this variant (Variation ID: 1388917). Advanced modeling of protein sequence and biophysical properties (such as structural, functional, and spatial information, amino acid conservation, physicochemical variation, residue mobility, and thermodynamic stability) performed at Invitae indicates that this missense variant is expected to disrupt MYH7 protein function with a positive predictive value of 95%. In summary, the available evidence is currently insufficient to determine the role of this variant in disease. Therefore, it has been classified as a Variant of Uncertain Significance.

NM_000257.4(MYH7):c.1285A>G (p.Lys429Glu)

Gene: MYH7 (myosin heavy chain 7; minus strand). Cytogenetic location: 14q11.2.
Variant type: single nucleotide variant.
Coding change: c.1285A>G on transcript NM_000257.4 (MANE Select); coding-DNA position 1285, A replaced by G.
Protein change: p.Lys429Glu; replaces lysine 429 with glutamic acid.
Molecular consequence: missense variant.
Genome position (GRCh38, 1-based): chr14:23,429,077, T>C on the plus strand (A>G on the coding strand, the complement: MYH7 is on the minus strand). VCF-style: chr14-23429077-T-C. GRCh37 (hg19) VCF-style: chr14-23898286-T-C.
Other names: short protein forms K429E.
Identifiers: ClinVar variation 1388917 (VCV001388917.6), dbSNP rs2138675381, ClinGen allele CA389050951.